The following is an entry in ClinVar:

NM_000059.4(BRCA2):c.9988G>A (p.Glu3330Lys)

Gene: BRCA2 (BRCA2 DNA repair associated; plus strand). Cytogenetic location: 13q13.1.
Variant type: single nucleotide variant.
Coding change: c.9988G>A on transcript NM_000059.4 (MANE Select); coding-DNA position 9988, G replaced by A.
Protein change: p.Glu3330Lys; replaces glutamic acid 3330 with lysine.
Molecular consequence: missense variant.
Genome position (GRCh38, 1-based): chr13:32,398,501, G>A. VCF-style: chr13-32398501-G-A. GRCh37 (hg19) VCF-style: chr13-32972638-G-A.
Other names: short protein forms E3330K.
Identifiers: ClinVar variation 1491201 (VCV001491201.8), dbSNP rs2137665567, ClinGen allele CA387767590.

ClinVar aggregate classification (germline): Uncertain significance (1 of 4 stars; one submission).

Conditions:
Hereditary breast ovarian cancer syndrome. Also called: Hereditary breast and ovarian cancer; Hereditary breast and ovarian cancer syndrome; Hereditary breast and/or ovarian cancer syndrome; Hereditary breast and ovarian cancer syndrome (HBOC); Breast and ovarian cancer; BRCA1- and BRCA2-Associated Hereditary Breast and Ovarian Cancer. Identifiers: Orphanet 145, MedGen C0677776, MeSH D061325, MONDO:0003582. Disease mechanism: loss of function.

Submission:

Labcorp Genetics (formerly Invitae), Labcorp
Classification: Uncertain significance for Hereditary breast ovarian cancer syndrome. Last evaluated: 2020-11-17. Review status: criteria provided, single submitter. Criteria: Invitae Variant Classification Sherloc (09022015). Collection method: clinical testing. Allele origin: germline.
Comment: Advanced modeling of protein sequence and biophysical properties (such as structural, functional, and spatial information, amino acid conservation, physicochemical variation, residue mobility, and thermodynamic stability) performed at Invitae indicates that this missense variant is not expected to disrupt BRCA2 protein function. In summary, the available evidence is currently insufficient to determine the role of this variant in disease. Therefore, it has been classified as a Variant of Uncertain Significance. This variant has not been reported in the literature in individuals with BRCA2-related conditions. This variant is not present in population databases (ExAC no frequency). This sequence change replaces glutamic acid with lysine at codon 3330 of the BRCA2 protein (p.Glu3330Lys). The glutamic acid residue is weakly conserved and there is a small physicochemical difference between glutamic acid and lysine.